The following is an entry in ClinVar:

NM_000093.5(COL5A1):c.4696C>A (p.Pro1566Thr)

Genes: COL5A1 (collagen type V alpha 1 chain; plus strand), LOC101448202 (uncharacterized LOC101448202; minus strand). Cytogenetic location: 9q34.3.
Variant type: single nucleotide variant.
Coding change: c.4696C>A on transcript NM_000093.5 (MANE Select); coding-DNA position 4696, C replaced by A.
Protein change: p.Pro1566Thr; replaces proline 1566 with threonine.
Molecular consequence: missense variant.
Genome position (GRCh38, 1-based): chr9:134,823,467, C>A. VCF-style: chr9-134823467-C-A. GRCh37 (hg19) VCF-style: chr9-137715313-C-A.
Other names: c.4696C>A, p.Pro1566Thr (NM_001278074.1); short protein forms P1566T.
Identifiers: ClinVar variation 3719762 (VCV003719762.2).
Genomic context (GRCh38, chr9:134,823,467, plus strand): 5'-TCTCCCCAGGGTCCAACTGGCCCGAAGGGTGAGGCAGGCCACCCAGGACCCCCAGGCCCC[C>A]CGGTAAGTAGCCCTTGAAGCCCAGAAAGCGGGACGGGGGCTCTGGCTAGCTCCGAGGGAA-3'
Protein context (NP_000084.3, residues 1556-1576): EAGHPGPPGP[Pro1566Thr]GPPGEVIQPL

ClinVar aggregate classification (germline): Uncertain significance (1 of 4 stars; one submission).

Conditions:
Ehlers-Danlos syndrome, classic type, 1 (EDSCL1). Also called: EHLERS-DANLOS SYNDROME, GRAVIS TYPE; EHLERS-DANLOS SYNDROME, SEVERE CLASSIC TYPE; Ehlers-Danlos syndrome, type 1; Ehlers-Danlos Syndrome, Classic Type, COL5A1-Related; EDS I. Identifiers: MedGen C0268335, MONDO:0019567, OMIM 130000.

gnomAD v4.1: 1 of 1,614,188 alleles (0.000062%); highest among the groups gnomAD compares: East Asian, 0.0022%; no homozygotes.

Submission:

Labcorp Genetics (formerly Invitae), Labcorp
Classification: Uncertain significance for Ehlers-Danlos syndrome, classic type, 1. Last evaluated: 2025-01-06. Review status: criteria provided, single submitter. Criteria: Invitae Variant Classification Sherloc (09022015). Collection method: clinical testing. Allele origin: germline.
Comment: This sequence change replaces proline, which is neutral and non-polar, with threonine, which is neutral and polar, at codon 1566 of the COL5A1 protein (p.Pro1566Thr). This variant is present in population databases (no rsID available, gnomAD 0.006%). This variant has not been reported in the literature in individuals affected with COL5A1-related conditions. Invitae Evidence Modeling of protein sequence and biophysical properties (such as structural, functional, and spatial information, amino acid conservation, physicochemical variation, residue mobility, and thermodynamic stability) indicates that this missense variant is expected to disrupt COL5A1 protein function with a positive predictive value of 95%. In summary, the available evidence is currently insufficient to determine the role of this variant in disease. Therefore, it has been classified as a Variant of Uncertain Significance.